The following is an entry in ClinVar:

NM_001148.6(ANK2):c.6629T>G (p.Val2210Gly)

Gene: ANK2 (ankyrin 2; plus strand). Cytogenetic location: 4q26.
Variant type: single nucleotide variant.
Coding change: c.6629T>G on transcript NM_001148.6 (MANE Select); coding-DNA position 6629, T replaced by G.
Protein change: p.Val2210Gly; replaces valine 2210 with glycine.
Molecular consequence: missense variant. On other transcripts: intron variant (68).
Genome position (GRCh38, 1-based): chr4:113,355,247, T>G. VCF-style: chr4-113355247-T-G. GRCh37 (hg19) VCF-style: chr4-114276403-T-G.
Other names: c.6395T>G, p.Val2132Gly (NM_001386142.1); c.3029T>G, p.Val1010Gly (NM_001386166.1); c.6770T>G, p.Val2257Gly (NM_001386174.1); c.6746T>G, p.Val2249Gly (NM_001386175.1); c.4411+4998T>G (NM_001386186.2, NM_001386148.2); c.4213+4998T>G (NM_001354269.3); c.4291+4998T>G (NM_001386187.2); c.4252+4998T>G (NM_001386147.1); and 35 more; short protein forms V2210G, V1010G, V2132G, V2249G, V2257G.
Identifiers: ClinVar variation 263680 (VCV000263680.3), dbSNP rs886038889, ClinGen allele CA10587582.
Genomic context (GRCh38, chr4:113,355,247, plus strand): 5'-CTCTGTCTTTACAAAGCGGTGCTTTAGATGGCAGTTCTGAAAGCCTAAAGAATGAGGGGG[T>G]AGCCGGCTCTCCGTGTGGCAGCCTGATGGAGGGGACCCCTCAGATTAGTTCAGAAGAAAG-3'
Protein context (NP_001139.3, residues 2200-2220): GSSESLKNEG[Val2210Gly]AGSPCGSLME

ClinVar aggregate classification (germline): Uncertain significance (1 of 4 stars; one submission).

Conditions:
Cardiovascular phenotype. Identifiers: MedGen CN230736.

Submission:

Ambry Genetics
Classification: Uncertain significance for Cardiovascular phenotype. Last evaluated: 2013-07-11. Review status: criteria provided, single submitter. Criteria: Ambry Autosomal Dominant and X-Linked criteria (10/2015). Collection method: clinical testing. Allele origin: germline. Observed: 1 variant allele.
Comment: Ã¢â‚¬â€¹The p.V2210G (also known as c.6629T>G) variant is located in coding exon 38 of the ANK2 gene. This variant results from a T to G substitution at nucleotide position 6629. The valine at codon 2210 is replaced by glycine, an amino acid with similar properties. This amino acid position is poorly conserved on sequence alignment. This variant was not reported in population-based cohorts in the following databases: Database of Single Nucleotide Polymorphisms (dbSNP), NHLBI Exome Sequencing Project (ESP) and 1000 Genomes Project. This variant is predicted to be benign by PolyPhen and tolerated by SIFT in silico analyses. Since supporting evidence is limited at this time, the clinical significance of p.V2210G remains unclear.